The following is an entry in ClinVar:

NM_001022.4(RPS19):c.382C>T (p.Gln128Ter)

Genes: RPS19 (ribosomal protein S19; plus strand), RPS19-CD79A (RPS19-CD79A readthrough; plus strand). Cytogenetic location: 19q13.2.
Variant type: single nucleotide variant.
Coding change: c.382C>T on transcript NM_001022.4 (MANE Select); coding-DNA position 382, C replaced by T.
Protein change: p.Gln128Ter; replaces glutamine 128 with a stop codon.
Molecular consequence: nonsense. On other transcripts: missense variant (1).
Genome position (GRCh38, 1-based): chr19:41,869,724, C>T. VCF-style: chr19-41869724-C-T. GRCh37 (hg19) VCF-style: chr19-42373794-C-T.
Other names: c.382C>T, p.Gln128Ter (NM_001321483.2, NM_001321484.2); c.395C>T, p.Thr132Ile (NM_001321485.2); short protein forms Q128*, T132I.
Identifiers: ClinVar variation 412282 (VCV000412282.15), dbSNP rs1060503688, ClinGen allele CA16616275.
Genomic context (GRCh38, chr19:41,869,724, plus strand): 5'-TCACTGGGGCCTGCATGACCCTTCCCTCCCCACAGCGGCCGCAAACTGACACCTCAGGGA[C>T]AAAGAGATCTGGACAGAATCGCCGGACAGGTAAGGCCTGCGTTTGGGGTGGGGCTGGGTC-3'

ClinVar aggregate classification (germline): Likely pathogenic (1 of 4 stars; one submission).

Conditions:
Diamond-Blackfan anemia. Also called: Aase syndrome; Blackfan Diamond syndrome; Aregenerative anemia chronic congenital; Red cell aplasia, pure hereditary; Congenital hypoplastic anemia. Identifiers: Orphanet 124, MedGen C1260899, MeSH D029503, MONDO:0015253, HP:0004810.

Submission:

Labcorp Genetics (formerly Invitae), Labcorp
Classification: Likely pathogenic for Diamond-Blackfan anemia. Last evaluated: 2016-08-14. Review status: criteria provided, single submitter. Criteria: Invitae Variant Classification Sherloc (09022015). Collection method: clinical testing. Allele origin: germline.
Comment: For these reasons, and without additional functional and/or genetic data, this variant has been classified as Likely Pathogenic. This variant has been reported as de novo in an individual affected with Diamond–Blackfan anemia (PMID: 12750732). This variant is not present in population databases (ExAC no frequency). This sequence change results in a premature translational stop signal in the penultimate exon of the RPS19 mRNA at codon 128 (p.Gln128*). While this is not anticipated to result in nonsense mediated decay, it is expected to create a truncated RPS19 protein.

Literature cited by the submitters: PubMed 12750732.